The following is an entry in ClinVar:

ClinVar aggregate classification (germline): Pathogenic (1 of 4 stars; one submission).

Conditions:
Reduced sperm motility. Also called: asthenozoospermia. Identifiers: MedGen C4082176, HP:0012207.
Abnormal sperm morphology. Also called: Teratozoospermia. Identifiers: MedGen C0403824, HP:0012864.

Submission:

Huzhibin Lab, Nanjing Medical University
Classification: Pathogenic for Reduced sperm motility; Abnormal sperm morphology. Review status: criteria provided, single submitter. Criteria: ACMG Guidelines, 2015. Collection method: research. Allele origin: germline. Inheritance: Autosomal recessive inheritance. Affected: yes. Observed: 1 variant allele, 1 homozygote.
Comment: Criteria:PVS1,PS4,PM2,PM4 This gene is a known causative gene for teratozoospermia, and male knockout mice of this gene have been shown to have a teratospermic phenotype and be infertile in males. Here, we find a rare homozygous variant in this gene that was not found in the control population, and this variant cannot be found in the gnomad and ExAC databases. It can also lead to change in the length of protein.

Literature cited by the submitters: PubMed 30089752.

NM_001270974.2(HYDIN):c.3206_3209del (p.Lys1069fs)

Gene: HYDIN (HYDIN axonemal central pair apparatus protein; minus strand). Cytogenetic location: 16q22.2.
Variant type: Deletion.
Coding change: c.3206_3209del on transcript NM_001270974.2 (MANE Select); coding-DNA positions 3206 to 3209, 4 bases deleted (AACC; older notation c.3206_3209delAACC).
Protein change: p.Lys1069fs; shifts the reading frame from lysine 1069.
Molecular consequence: frameshift variant.
Genome position (GRCh38, 1-based): chr16:71,020,295-71,020,298, GGTT deleted on the plus strand (AACC on the coding strand, the reverse complement: HYDIN is on the minus strand). VCF-style (leftmost placement, unchanged base first): chr16-71020294-AGGTT-A. GRCh37 (hg19) VCF-style: chr16-71054197-AGGTT-A.
Other names: short protein forms K1069fs.
Identifiers: ClinVar variation 3239643 (VCV003239643.2).